The following is an entry in ClinVar:

NM_001904.4(CTNNB1):c.496-3C>G

Genes: CTNNB1 (catenin beta 1; plus strand), LOC126806658 (BRD4-independent group 4 enhancer GRCh37_chr3:41265899-41267098; plus strand). Cytogenetic location: 3p22.1.
Variant type: single nucleotide variant.
Coding change: c.496-3C>G on transcript NM_001904.4 (MANE Select); 3 bases into the intron before coding-DNA position 496, C replaced by G.
Molecular consequence: intron variant.
Genome position (GRCh38, 1-based): chr3:41,225,331, C>G. VCF-style: chr3-41225331-C-G. GRCh37 (hg19) VCF-style: chr3-41266822-C-G.
Other names: c.475-3C>G (NM_001330729.2); c.496-3C>G (NM_001098209.2, NM_001098210.2).
Identifiers: ClinVar variation 429772 (VCV000429772.2), dbSNP rs1131691585, ClinGen allele CA645369334.
Genomic context (GRCh38, chr3:41,225,331, plus strand): 5'-CAGAATGTCTACCCAATACCAGTACTTGAAAACTAACGATGTTTCTGAATTCCTGTATTA[C>G]AGGTGGTGGTTAATAAGGCTGCAGTTATGGTCCATCAGCTTTCTAAAAAGGAAGCTTCCA-3'

ClinVar aggregate classification (germline): Likely pathogenic (1 of 4 stars; one submission).

Submission:

GeneDx
Classification: Likely pathogenic. Last evaluated: 2015-10-05. Review status: criteria provided, single submitter. Criteria: GeneDx Variant Classification (06012015). Collection method: clinical testing. Allele origin: germline. Affected: yes.
Comment: The c.496-3C>G likely pathogenic variant in the CTNNB1 gene has not been reported previously as a pathogenic variant nor as a benign variant, to our knowledge. This variant is predicted to reduce the quality of the splice acceptor site in intron 4, and may cause abnormal gene splicing. However, in the absence of mRNA studies, the actual effect of c.496-3C>G in this individual is unknown. The c.496-3C>G variant was not observed in approximately 6500 individuals of European and African American ancestry in the NHLBI Exome Sequencing Project, indicating it is not a common benign variant in these populations. The c.496-3C>G variant is a strong candidate for a pathogenic variant. However the possibility it may be a rare benign variant cannot be excluded.